The following is an entry in ClinVar:

NM_020800.3(IFT80):c.950C>A (p.Ala317Asp)

Genes: IFT80 (intraflagellar transport 80; minus strand), TRIM59-IFT80 (TRIM59-IFT80 readthrough (NMD candidate); minus strand). Cytogenetic location: 3q25.33.
Variant type: single nucleotide variant.
Coding change: c.950C>A on transcript NM_020800.3 (MANE Select); coding-DNA position 950, C replaced by A.
Protein change: p.Ala317Asp; replaces alanine 317 with aspartic acid.
Molecular consequence: missense variant. On other transcripts: non-coding transcript variant (3).
Genome position (GRCh38, 1-based): chr3:160,319,767, G>T on the plus strand (C>A on the coding strand, the complement: IFT80 is on the minus strand). VCF-style: chr3-160319767-G-T. GRCh37 (hg19) VCF-style: chr3-160037555-G-T.
Other names: c.539C>A, p.Ala180Asp (NM_001190241.2, NM_001190242.2); short protein forms A180D, A317D.
Identifiers: ClinVar variation 1003267 (VCV001003267.9), dbSNP rs1718070568, ClinGen allele CA355195333.

ClinVar aggregate classification (germline): Uncertain significance (1 of 4 stars; one submission).

Conditions:
Jeune thoracic dystrophy. Also called: Jeune syndrome; Infantile thoracic dystrophy; Thoracic pelvic phalangeal dystrophy; Jeune's syndrome; Chondroectodermal dysplasia-like syndrome; Short-rib thoracic dysplasia. Identifiers: Orphanet 474, MedGen C0265275, MONDO:0018770.

Submission:

Labcorp Genetics (formerly Invitae), Labcorp
Classification: Uncertain significance for Jeune thoracic dystrophy. Last evaluated: 2020-01-17. Review status: criteria provided, single submitter. Criteria: Invitae Variant Classification Sherloc (09022015). Collection method: clinical testing. Allele origin: germline.
Comment: Algorithms developed to predict the effect of missense changes on protein structure and function (SIFT, PolyPhen-2, Align-GVGD) all suggest that this variant is likely to be tolerated, but these predictions have not been confirmed by published functional studies and their clinical significance is uncertain. This variant has not been reported in the literature in individuals with IFT80-related conditions. This variant is not present in population databases (ExAC no frequency). This sequence change replaces alanine with aspartic acid at codon 317 of the IFT80 protein (p.Ala317Asp). The alanine residue is weakly conserved and there is a moderate physicochemical difference between alanine and aspartic acid. In summary, the available evidence is currently insufficient to determine the role of this variant in disease. Therefore, it has been classified as a Variant of Uncertain Significance.